The following is an entry in ClinVar:

NM_001349206.2(LPIN1):c.2013+5G>A

Gene: LPIN1 (lipin 1; plus strand). Cytogenetic location: 2p25.1.
Variant type: single nucleotide variant.
Coding change: c.2013+5G>A on transcript NM_001349206.2 (MANE Select); 5 bases into the intron after coding-DNA position 2013, G replaced by A.
Molecular consequence: intron variant.
Genome position (GRCh38, 1-based): chr2:11,803,038, G>A. VCF-style: chr2-11803038-G-A. GRCh37 (hg19) VCF-style: chr2-11943164-G-A.
Other names: c.2160+5G>A (NM_001261428.3); c.2052+5G>A (NM_001349208.2); c.2103+5G>A (NM_001349207.2); c.1923+5G>A (NM_001261427.3); c.2013+5G>A (NM_001349204.2, NM_001349205.2); c.2010+5G>A (NM_001349202.2, NM_001349203.2); c.1983+5G>A (NM_001349200.2, NM_001349201.2); c.1905+5G>A (NM_001349199.2, NM_145693.4).
Identifiers: ClinVar variation 4846839 (VCV004846839.1).

ClinVar aggregate classification (germline): Uncertain significance (1 of 4 stars; one submission).

Conditions:
Myoglobinuria, acute recurrent, autosomal recessive. Also called: Myoglobinuria, recurrent, autosomal recessive; MYOGLOBINURIA, FAMILIAL PAROXYSMAL PARALYTIC; RHABDOMYOLYSIS, ACUTE RECURRENT. Identifiers: Orphanet 99845, MedGen C1849386, MONDO:0009992, OMIM 268200.

Submission:

Laboratorio de Genetica e Diagnostico Molecular, Hospital Israelita Albert Einstein
Classification: Uncertain significance for Myoglobinuria, acute recurrent, autosomal recessive. Last evaluated: 2025-06-24. Review status: criteria provided, single submitter. Criteria: ACMG Guidelines, 2015. Collection method: clinical testing. Allele origin: germline. Affected: yes.
Comment: ACMG classification criteria: PM2 supporting, PP3 supporting